The following is an entry in ClinVar:

ClinVar aggregate classification (germline): Uncertain significance (1 of 4 stars; one submission).

Allele frequency attached by ClinVar (database versions not stated): ExAC 0.00001.
gnomAD v4.1: 2 of 1,614,052 alleles (0.00012%); highest among the groups gnomAD compares: Non-Finnish European, 0.00017%; no homozygotes.

Submission:

Labcorp Genetics (formerly Invitae), Labcorp
Classification: Uncertain significance. Last evaluated: 2022-08-05. Review status: criteria provided, single submitter. Criteria: Invitae Variant Classification Sherloc (09022015). Collection method: clinical testing. Allele origin: germline.
Comment: In summary, the available evidence is currently insufficient to determine the role of this variant in disease. Therefore, it has been classified as a Variant of Uncertain Significance. Algorithms developed to predict the effect of missense changes on protein structure and function output the following: SIFT: "Tolerated"; PolyPhen-2: "Not Available"; Align-GVGD: "Class C0". The serine amino acid residue is found in multiple mammalian species, which suggests that this missense change does not adversely affect protein function. This variant has not been reported in the literature in individuals affected with AGTR1-related conditions. The frequency data for this variant in the population databases is considered unreliable, as metrics indicate poor data quality at this position in the gnomAD database. This sequence change replaces proline, which is neutral and non-polar, with serine, which is neutral and polar, at codon 387 of the AGTR1 protein (p.Pro387Ser).

NM_000685.5(AGTR1):c.1054C>T (p.Pro352Ser)

Gene: AGTR1 (angiotensin II receptor type 1; plus strand). Cytogenetic location: 3q24.
Variant type: single nucleotide variant.
Coding change: c.1054C>T on transcript NM_000685.5 (MANE Select); coding-DNA position 1054, C replaced by T.
Protein change: p.Pro352Ser; replaces proline 352 with serine.
Molecular consequence: missense variant.
Genome position (GRCh38, 1-based): chr3:148,742,089, C>T. VCF-style: chr3-148742089-C-T. GRCh37 (hg19) VCF-style: chr3-148459876-C-T.
Other names: c.1054C>T, p.Pro352Ser (NM_001382736.1, NM_001382737.1, NM_004835.5 and 3 more transcripts); short protein forms P352S.
Identifiers: ClinVar variation 1920250 (VCV001920250.5), dbSNP rs755384581, ClinGen allele CA2657439.